The following is an entry in ClinVar:

ClinVar aggregate classification (germline): Uncertain significance (1 of 4 stars; one submission).

gnomAD v4.1: 2 of 1,556,904 alleles (0.00013%); highest among the groups gnomAD compares: Middle Eastern, 0.033%; no homozygotes.

Submission:

Women's Health and Genetics/Laboratory Corporation of America, LabCorp
Classification: Uncertain significance. Last evaluated: 2022-10-03. Review status: criteria provided, single submitter. Criteria: LabCorp Variant Classification Summary - May 2015. Collection method: clinical testing. Allele origin: germline.
Comment: Variant summary: COMP c.762+13G>T alters a non-conserved nucleotide located close to a canonical splice site and therefore could affect mRNA splicing, leading to a significantly altered protein sequence. 4/4 computational tools predict no significant impact on normal splicing. However, these predictions have yet to be confirmed by functional studies. The variant was absent in 154524 control chromosomes. The available data on variant occurrences in the general population are insufficient to allow any conclusion about variant significance. To our knowledge, no occurrence of c.762+13G>T in individuals affected with COMP-Related Disorders and no experimental evidence demonstrating its impact on protein function have been reported. No clinical diagnostic laboratories have submitted clinical-significance assessments for this variant to ClinVar after 2014. Based on the evidence outlined above, the variant was classified as uncertain significance.

NM_000095.3(COMP):c.762+13G>T

Gene: COMP (cartilage oligomeric matrix protein; minus strand). Cytogenetic location: 19p13.11.
Variant type: single nucleotide variant.
Coding change: c.762+13G>T on transcript NM_000095.3 (MANE Select); 13 bases into the intron after coding-DNA position 762, G replaced by T.
Molecular consequence: intron variant.
Genome position (GRCh38, 1-based): chr19:18,788,579, C>A on the plus strand (G>T on the coding strand, the complement: COMP is on the minus strand). VCF-style: chr19-18788579-C-A. GRCh37 (hg19) VCF-style: chr19-18899388-C-A.
Identifiers: ClinVar variation 1723327 (VCV001723327.1), dbSNP rs868799255, ClinGen allele CA306258018.